The following is an entry in ClinVar:

NM_000059.4(BRCA2):c.1001A>T (p.His334Leu)

Gene: BRCA2 (BRCA2 DNA repair associated; plus strand). Cytogenetic location: 13q13.1.
Variant type: single nucleotide variant.
Coding change: c.1001A>T on transcript NM_000059.4 (MANE Select); coding-DNA position 1001, A replaced by T.
Protein change: p.His334Leu; replaces histidine 334 with leucine.
Molecular consequence: missense variant.
Genome position (GRCh38, 1-based): chr13:32,332,479, A>T. VCF-style: chr13-32332479-A-T. GRCh37 (hg19) VCF-style: chr13-32906616-A-T.
Other names: short protein forms H334L.
Identifiers: ClinVar variation 962700 (VCV000962700.11), dbSNP rs587782016, ClinGen allele CA387761053.

ClinVar aggregate classification (germline): Conflicting classifications of pathogenicity. Review status: criteria provided, conflicting classifications (1 of 4 stars). 2 submissions from 2 submitters: Uncertain significance (1); Likely benign (1). Last evaluated 2023-03-23.

Conditions:
Hereditary cancer-predisposing syndrome. Also called: Tumor predisposition; Hereditary neoplastic syndrome; Hereditary Cancer Syndrome; Neoplastic Syndromes, Hereditary. Identifiers: Orphanet 140162, MedGen C0027672, MeSH D009386, MONDO:0015356.
Hereditary breast ovarian cancer syndrome. Also called: BRCA1- and BRCA2-Associated Hereditary Breast and Ovarian Cancer; Hereditary breast and ovarian cancer; Hereditary breast and/or ovarian cancer syndrome; Hereditary breast and ovarian cancer syndrome; Hereditary breast and ovarian cancer syndrome (HBOC); Breast and ovarian cancer. Identifiers: Orphanet 145, MedGen C0677776, MeSH D061325, MONDO:0003582. Disease mechanism: loss of function.

Submissions (2):

University of Washington Department of Laboratory Medicine, University of Washington
Classification: Likely benign for Hereditary cancer-predisposing syndrome. Last evaluated: 2023-03-23. Review status: criteria provided, single submitter. Criteria: Dines et al. (Genet Med. 2020). Collection method: curation. Allele origin: germline.
Comment: Missense variant in a coldspot region where missense variants are very unlikely to be pathogenic (PMID:31911673).

BRCA2 exon 10 coldspot. Reclassification based on statistical prior probability.

Labcorp Genetics (formerly Invitae), Labcorp
Classification: Uncertain significance for Hereditary breast ovarian cancer syndrome. Last evaluated: 2019-08-09. Review status: criteria provided, single submitter. Criteria: Invitae Variant Classification Sherloc (09022015). Collection method: clinical testing. Allele origin: germline.
Comment: This sequence change replaces histidine with leucine at codon 334 of the BRCA2 protein (p.His334Leu). The histidine residue is weakly conserved and there is a moderate physicochemical difference between histidine and leucine. This variant is not present in population databases (ExAC no frequency). This variant has not been reported in the literature in individuals with BRCA2-related conditions. Algorithms developed to predict the effect of missense changes on protein structure and function (SIFT, PolyPhen-2, Align-GVGD) all suggest that this variant is likely to be tolerated, but these predictions have not been confirmed by published functional studies and their clinical significance is uncertain. In summary, the available evidence is currently insufficient to determine the role of this variant in disease. Therefore, it has been classified as a Variant of Uncertain Significance.